The following is an entry in ClinVar:

ClinVar aggregate classification (germline): Uncertain significance (1 of 4 stars; one submission).

Conditions:
Dilated cardiomyopathy 1G (CMD1G). Identifiers: Orphanet 154, MedGen C1858763, MONDO:0011400, OMIM 604145.
Autosomal recessive limb-girdle muscular dystrophy type 2J (LGMDR10). Also called: Limb-girdle muscular dystrophy, type 2J; MUSCULAR DYSTROPHY, LIMB-GIRDLE, AUTOSOMAL RECESSIVE 10. Identifiers: Orphanet 140922, MedGen C1837342, MONDO:0012127, OMIM 608807.

Allele frequency attached by ClinVar (database versions not stated): gnomAD exomes 0.00001; ExAC 0.00002.
gnomAD v4.1: 4 of 1,613,556 alleles (0.00025%); highest among the groups gnomAD compares: Admixed American, 0.0067%; no homozygotes.

Submission:

Labcorp Genetics (formerly Invitae), Labcorp
Classification: Uncertain significance for Dilated cardiomyopathy 1G; Autosomal recessive limb-girdle muscular dystrophy type 2J. Last evaluated: 2022-12-06. Review status: criteria provided, single submitter. Criteria: Invitae Variant Classification Sherloc (09022015). Collection method: clinical testing. Allele origin: germline.
Comment: This variant is located in the M band of TTN (PMID: 25589632). Variants in this region may be relevant for neuromuscular disorders, but have not been definitively shown to cause cardiomyopathy (PMID: 23975875). In summary, the available evidence is currently insufficient to determine the role of this variant in disease. Therefore, it has been classified as a Variant of Uncertain Significance. Experimental studies and prediction algorithms are not available or were not evaluated, and the functional significance of this variant is currently unknown. This variant has not been reported in the literature in individuals affected with TTN-related conditions. This variant is present in population databases (rs764714213, gnomAD 0.01%). This sequence change replaces threonine, which is neutral and polar, with isoleucine, which is neutral and non-polar, at codon 35676 of the TTN protein (p.Thr35676Ile).

Literature cited by the submitters: PubMed 25589632; PubMed 23975875.

NM_001267550.2(TTN):c.107027C>T (p.Thr35676Ile)

Genes: TTN (titin; minus strand), TTN-AS1 (TTN antisense RNA 1; plus strand). Cytogenetic location: 2q31.2.
Variant type: single nucleotide variant.
Coding change: c.107027C>T on transcript NM_001267550.2 (MANE Select); coding-DNA position 107027, C replaced by T.
Protein change: p.Thr35676Ile; replaces threonine 35676 with isoleucine.
Molecular consequence: missense variant.
Genome position (GRCh38, 1-based): chr2:178,528,724, G>A on the plus strand (C>T on the coding strand, the complement: TTN is on the minus strand). VCF-style: chr2-178528724-G-A. GRCh37 (hg19) VCF-style: chr2-179393451-G-A.
Other names: c.102104C>T, p.Thr34035Ile (NM_001256850.1); c.79832C>T, p.Thr26611Ile (NM_003319.4); c.99323C>T, p.Thr33108Ile (NM_133378.4); c.80207C>T, p.Thr26736Ile (NM_133432.3); c.80408C>T, p.Thr26803Ile (NM_133437.4); short protein forms T26611I, T26736I, T33108I, T26803I, T35676I, T34035I.
Identifiers: ClinVar variation 1900694 (VCV001900694.5), dbSNP rs764714213, ClinGen allele CA1985010.